The following is an entry in ClinVar:

ClinVar aggregate classification (germline): Uncertain significance (1 of 4 stars; one submission).

Submission:

GeneDx
Classification: Uncertain significance. Last evaluated: 2022-10-10. Review status: criteria provided, single submitter. Criteria: GeneDx Variant Classification Process June 2021. Collection method: clinical testing. Allele origin: germline. Affected: yes.
Comment: Not observed at significant frequency in large population cohorts (gnomAD); In silico analysis supports that this missense variant does not alter protein structure/function; Has not been previously published as pathogenic or benign to our knowledge

NM_001378615.1(CC2D2A):c.3071G>C (p.Arg1024Thr)

Genes: CC2D2A (coiled-coil and C2 domain containing 2A; plus strand), FBXL5 (F-box and leucine rich repeat protein 5; minus strand). Cytogenetic location: 4p15.32.
Variant type: single nucleotide variant.
Coding change: c.3071G>C on transcript NM_001378615.1 (MANE Select); coding-DNA position 3071, G replaced by C.
Protein change: p.Arg1024Thr; replaces arginine 1024 with threonine.
Molecular consequence: missense variant.
Genome position (GRCh38, 1-based): chr4:15,563,411, G>C. VCF-style: chr4-15563411-G-C. GRCh37 (hg19) VCF-style: chr4-15565034-G-C.
Other names: c.3071G>C, p.Arg1024Thr (NM_001080522.2); c.2924G>C, p.Arg975Thr (NM_001378617.1); short protein forms R1024T, R975T.
Identifiers: ClinVar variation 2497963 (VCV002497963.1), dbSNP rs2475061738, ClinGen allele CA356415693.